The following is an entry in ClinVar:

NM_032228.6(FAR1):c.601C>A (p.Pro201Thr)

Gene: FAR1 (fatty acyl-CoA reductase 1; plus strand). Cytogenetic location: 11p15.3.
Variant type: single nucleotide variant.
Coding change: c.601C>A on transcript NM_032228.6 (MANE Select); coding-DNA position 601, C replaced by A.
Protein change: p.Pro201Thr; replaces proline 201 with threonine.
Molecular consequence: missense variant.
Genome position (GRCh38, 1-based): chr11:13,710,748, C>A. VCF-style: chr11-13710748-C-A. GRCh37 (hg19) VCF-style: chr11-13732295-C-A.
Other names: short protein forms P201T.
Identifiers: ClinVar variation 2822668 (VCV002822668.3), dbSNP rs2500132586, ClinGen allele CA379857268.
Genomic context (GRCh38, chr11:13,710,748, plus strand): 5'-ACCAGGTGGATGGATGATGGCCTAGTAAATGATATCACGCCAAAATTGATAGGAGACAGA[C>A]CTAATACATACATATACACAAAAGCATTGGCAGAATATGTTGTACAACAAGAAGGAGCAA-3'
Protein context (NP_115604.1, residues 191-211): DITPKLIGDR[Pro201Thr]NTYIYTKALA

ClinVar aggregate classification (germline): Uncertain significance (1 of 4 stars; one submission).

Submission:

Labcorp Genetics (formerly Invitae), Labcorp
Classification: Uncertain significance. Last evaluated: 2022-12-20. Review status: criteria provided, single submitter. Criteria: Invitae Variant Classification Sherloc (09022015). Collection method: clinical testing. Allele origin: germline.
Comment: This variant has not been reported in the literature in individuals affected with FAR1-related conditions. In summary, the available evidence is currently insufficient to determine the role of this variant in disease. Therefore, it has been classified as a Variant of Uncertain Significance. Advanced modeling of protein sequence and biophysical properties (such as structural, functional, and spatial information, amino acid conservation, physicochemical variation, residue mobility, and thermodynamic stability) performed at Invitae indicates that this missense variant is expected to disrupt FAR1 protein function. This variant is not present in population databases (gnomAD no frequency). This sequence change replaces proline, which is neutral and non-polar, with threonine, which is neutral and polar, at codon 201 of the FAR1 protein (p.Pro201Thr).